The following is an entry in ClinVar:

ClinVar aggregate classification (germline): Conflicting classifications of pathogenicity. Review status: criteria provided, conflicting classifications (1 of 4 stars). 2 submissions from 2 submitters: Likely pathogenic (1); Uncertain significance (1). Last evaluated 2026-09-17.

Conditions:
C3 glomerulonephritis. Also called: Nephropathy due to CFHR5 Deficiency; C3 GLOMERULOPATHY 3. Identifiers: Orphanet 329931, MedGen C4055342, MONDO:0013892, OMIM 614809.
Atypical hemolytic-uremic syndrome. Identifiers: Orphanet 2134, MedGen C2931788, MONDO:0016244.

gnomAD v4.1: 2 of 1,614,180 alleles (0.00012%); highest among the groups gnomAD compares: Non-Finnish European, 0.00017%; no homozygotes.

Submissions (2):

Genomenon, Inc
Classification: Likely pathogenic for C3 glomerulonephritis; Atypical hemolytic-uremic syndrome. Last evaluated: 2026-09-17. Review status: criteria provided, single submitter. Criteria: Genomenon Sequence Variant Interpretation Standards - Updated. Collection method: curation. Allele origin: germline. Affected: yes.
Comment: C3 p.Gly1116Arg (c.3346G>A) is a missense variant that changes the amino acid at codon 1116 from Glycine to Arginine. This variant has been observed in at least one proband affected with a C3-related disorder (PMID:21810760;23431077). The variant was found to segregate with disease in at least one affected family (PMID:21810760). Functional studies have been reported (PMID:25608561). It is absent or not present at a significant frequency in gnomAD. In silico models predict that this variant is possibly or probably damaging. In conclusion, we classify C3 p.Gly1116Arg (c.3346G>A) as a likely pathogenic variant.

Labcorp Genetics (formerly Invitae), Labcorp
Classification: Uncertain significance. Last evaluated: 2024-06-28. Review status: criteria provided, single submitter. Criteria: Invitae Variant Classification Sherloc (09022015). Collection method: clinical testing. Allele origin: germline.
Comment: This sequence change replaces glycine, which is neutral and non-polar, with arginine, which is basic and polar, at codon 1116 of the C3 protein (p.Gly1116Arg). This variant is not present in population databases (gnomAD no frequency). This missense change has been observed in individual(s) with hemolytic uremic syndrome (PMID: 21810760). This variant is also known as G1094R. Advanced modeling of protein sequence and biophysical properties (such as structural, functional, and spatial information, amino acid conservation, physicochemical variation, residue mobility, and thermodynamic stability) performed at Invitae indicates that this missense variant is expected to disrupt C3 protein function with a positive predictive value of 80%. Experimental studies have shown that this missense change affects C3 function (PMID: 25608561). In summary, the available evidence is currently insufficient to determine the role of this variant in disease. Therefore, it has been classified as a Variant of Uncertain Significance.

Literature cited by the submitters: PubMed 21810760 (cited by Genomenon, Inc and Labcorp Genetics (formerly Invitae), Labcorp); PubMed 23431077 (cited by Genomenon, Inc); PubMed 25608561 (cited by Genomenon, Inc and Labcorp Genetics (formerly Invitae), Labcorp).

NM_000064.4(C3):c.3346G>A (p.Gly1116Arg)

Gene: C3 (complement C3; minus strand). Cytogenetic location: 19p13.3.
Variant type: single nucleotide variant.
Coding change: c.3346G>A on transcript NM_000064.4 (MANE Select); coding-DNA position 3346, G replaced by A.
Protein change: p.Gly1116Arg; replaces glycine 1116 with arginine.
Molecular consequence: missense variant.
Genome position (GRCh38, 1-based): chr19:6,692,968, C>T on the plus strand (G>A on the coding strand, the complement: C3 is on the minus strand). VCF-style: chr19-6692968-C-T. GRCh37 (hg19) VCF-style: chr19-6692979-C-T.
Other names: short protein forms G1116R.
Identifiers: ClinVar variation 3691132 (VCV003691132.3).
Genomic context (GRCh38, chr19:6,692,968, plus strand): 5'-AATCCCAGCCTCTTACAATCATTTCTTGGTGTATCACGGGCGCATCCTCCTGGAAGACCC[C>T]GTCGGGCTTCTGCTTCTCCAGGATCAGCCATTTAACAGCCCCGCAGAGGACTTGGGAGTC-3'
Protein context (NP_000055.2, residues 1106-1126): WLILEKQKPD[Gly1116Arg]VFQEDAPVIH